The following is an entry in ClinVar:

NM_020433.5(JPH2):c.1759_1779dup (p.Pro587_Glu593dup)

Gene: JPH2 (junctophilin 2; minus strand). Cytogenetic location: 20q13.12.
Variant type: Duplication.
Coding change: c.1759_1779dup on transcript NM_020433.5 (MANE Select); coding-DNA positions 1759 to 1779, 21 bases duplicated (CCCGAGGTCTCCGGGTCCGAG).
Protein change: p.Pro587_Glu593dup.
Molecular consequence: inframe insertion.
Genome position (GRCh38, 1-based): chr20:44,115,896-44,115,916, CTCGGACCCGGAGACCTCGGG duplicated on the plus strand (CCCGAGGTCTCCGGGTCCGAG on the coding strand, the reverse complement: JPH2 is on the minus strand); duplicating any 21 consecutive bases within chr20:44,115,896-44,115,921 gives the same sequence; the c. name uses the placement nearest the transcript's 3' end. VCF-style (leftmost placement, unchanged base first): chr20-44115895-A-ACTCGGACCCGGAGACCTCGGG. GRCh37 (hg19) VCF-style: chr20-42744535-A-ACTCGGACCCGGAGACCTCGGG.
Other names: c.1759_1779dupCCCGAGGTCTCCGGGTCCGAG (NM_020433.4).
Identifiers: ClinVar variation 843101 (VCV000843101.13), dbSNP rs774773499, ClinGen allele CA9868611.

ClinVar aggregate classification (germline): Uncertain significance. Review status: criteria provided, multiple submitters, no conflicts (2 of 4 stars). 4 submissions from 4 submitters: Uncertain significance (4). Last evaluated 2025-05-29.

Conditions:
JPH2-related disorder. Also called: JPH2-related condition.
Cardiovascular phenotype. Identifiers: MedGen CN230736.
Hypertrophic cardiomyopathy. Also called: HYPERTROPHIC MYOCARDIOPATHY. Identifiers: Orphanet 217569, MedGen C0007194, MeSH D002312, MONDO:0005045, HP:0001639.

Submissions (4):

Labcorp Genetics (formerly Invitae), Labcorp
Classification: Uncertain significance for Hypertrophic cardiomyopathy. Last evaluated: 2025-05-29. Review status: criteria provided, single submitter. Criteria: Invitae Variant Classification Sherloc (09022015). Collection method: clinical testing. Allele origin: germline.
Comment: This variant, c.1759_1779dup, results in the insertion of 7 amino acid(s) of the JPH2 protein (p.Pro587_Glu593dup), but otherwise preserves the integrity of the reading frame. This variant is present in population databases (rs774773499, gnomAD 0.01%). This variant has not been reported in the literature in individuals affected with JPH2-related conditions. ClinVar contains an entry for this variant (Variation ID: 843101). In summary, the available evidence is currently insufficient to determine the role of this variant in disease. Therefore, it has been classified as a Variant of Uncertain Significance.

Ambry Genetics
Classification: Uncertain significance for Cardiovascular phenotype. Last evaluated: 2025-01-06. Review status: criteria provided, single submitter. Criteria: Ambry Variant Classification Scheme 2023. Collection method: clinical testing. Allele origin: germline.
Comment: The c.1759_1779dup21 variant (also known as p.P587_E593dup), located in coding exon 4 of the JPH2 gene, results from an in-frame duplication of 21 nucleotides at nucleotide positions 1759 to 1779. This results in the duplication of 7 extra residues (PEVSGSE) between codons 587 and 593. The amino acid positions are not well conserved in available vertebrate species. In addition, this alteration is predicted to be neutral by in silico analysis (Choi Y et al. PLoS ONE. 2012; 7(10):e46688). Based on the available evidence, the clinical significance of this variant remains unclear.

GeneDx
Classification: Uncertain significance. Last evaluated: 2023-02-09. Review status: criteria provided, single submitter. Criteria: GeneDx Variant Classification Process June 2021. Collection method: clinical testing. Allele origin: germline. Affected: yes.
Comment: Has not been previously published as pathogenic or benign to our knowledge; Not observed at significant frequency in large population cohorts (gnomAD); In-frame insertion of 7 amino acids in a non-repeat region; This variant is associated with the following publications: (PMID: 27535533, 26582918)

PreventionGenetics, part of Exact Sciences
Classification: Uncertain significance for JPH2-related condition. Last evaluated: 2022-08-26. Review status: criteria provided, single submitter. Criteria: ACMG Guidelines, 2015. Collection method: clinical testing. Allele origin: germline.
Comment: The JPH2 c.1759_1779dup21 variant is predicted to result in an in-frame duplication (p.Pro587_Glu593dup). This variant was reported as uncertain significance in a cohort of hypertrophic cardiomyopathy patients (Table S13, Thomson et al. 2019. PubMed ID: 30531895). This variant is reported in 0.011% of alleles in individuals of European (Finnish) descent in gnomAD. At this time, the clinical significance of this variant is uncertain due to the absence of conclusive functional and genetic evidence.